The following is an entry in ClinVar:

ClinVar aggregate classification (germline): Uncertain significance. Review status: criteria provided, multiple submitters, no conflicts (2 of 4 stars). 2 submissions from 2 submitters: Uncertain significance (2). Last evaluated 2025-03-14.

Submissions (2):

Women's Health and Genetics/Laboratory Corporation of America, LabCorp
Classification: Uncertain significance. Last evaluated: 2025-03-14. Review status: criteria provided, single submitter. Criteria: LabCorp Variant Classification Summary - May 2015. Collection method: clinical testing. Allele origin: germline.
Comment: Variant summary: PKD1 c.4115_4117delCCA (p.Thr1372del) results in an in-frame deletion that is predicted to remove one amino acid from the encoded protein. The variant was absent in 248242 control chromosomes. The available data on variant occurrences in the general population are insufficient to allow any conclusion about variant significance. c.4115_4117delCCA has been reported in the literature in an individual affected with kidney disease (Cornec-Le_2016). These data do not allow any conclusion about variant significance. To our knowledge, no experimental evidence demonstrating an impact on protein function has been reported. The following publication has been ascertained in the context of this evaluation (PMID: 26150605). No submitters have cited clinical-significance assessments for this variant to ClinVar. Based on the evidence outlined above, the variant was classified as uncertain significance.

Athena Diagnostics
Classification: Uncertain significance. Last evaluated: 2025-01-27. Review status: criteria provided, single submitter. Criteria: Athena Diagnostics Criteria. Collection method: clinical testing. Allele origin: unknown.
Comment: Available data are insufficient to determine the clinical significance of the variant at this time. This variant has not been reported in large, multi-ethnic general populations. This variant has been identified in at least one individual with clinical features associated with this gene. The variant is located in a region that is not considered important for protein function and/or structure.

Literature cited by the submitters: PubMed 26150605 (cited by Women's Health and Genetics/Laboratory Corporation of America, LabCorp and Athena Diagnostics); PubMed 27499327 (cited by Athena Diagnostics).

NM_001009944.3(PKD1):c.4115_4117del (p.Thr1372del)

Gene: PKD1 (polycystin 1, transient receptor potential channel interacting; minus strand). Cytogenetic location: 16p13.3.
Variant type: Deletion.
Coding change: c.4115_4117del on transcript NM_001009944.3 (MANE Select); coding-DNA positions 4115 to 4117, 3 bases deleted (CCA; older notation c.4115_4117delCCA).
Protein change: p.Thr1372del; deletes threonine 1372.
Genome position (GRCh38, 1-based): chr16:2,111,050-2,111,052, TGG deleted on the plus strand (CCA on the coding strand, the reverse complement: PKD1 is on the minus strand); deleting any 3 consecutive bases within chr16:2,111,050-2,111,054 gives the same sequence; the c. name uses the placement nearest the transcript's 3' end. VCF-style (leftmost placement, unchanged base first): chr16-2111049-CTGG-C. GRCh37 (hg19) VCF-style: chr16-2161050-CTGG-C.
Other names: c.4115_4117del, p.Thr1372del (NM_000296.4); c.4115_4117delCCA (NM_001009944.3); c.4115_4117del (NM_000296.3); short protein forms T1372del.
Identifiers: ClinVar variation 3895638 (VCV003895638.2).